The following is an entry in ClinVar:

NM_001128840.3(CACNA1D):c.235T>A (p.Ser79Thr)

Gene: CACNA1D (calcium voltage-gated channel subunit alpha1 D; plus strand). Cytogenetic location: 3p21.1.
Variant type: single nucleotide variant.
Coding change: c.235T>A on transcript NM_001128840.3 (MANE Select); coding-DNA position 235, T replaced by A.
Protein change: p.Ser79Thr; replaces serine 79 with threonine.
Molecular consequence: missense variant.
Genome position (GRCh38, 1-based): chr3:53,497,319, T>A. VCF-style: chr3-53497319-T-A. GRCh37 (hg19) VCF-style: chr3-53531346-T-A.
Other names: c.235T>A, p.Ser79Thr (NM_000720.4, NM_001128839.3); short protein forms S79T.
Identifiers: ClinVar variation 2483913 (VCV002483913.3), dbSNP rs147916220, ClinGen allele CA2453646.

ClinVar aggregate classification (germline): Uncertain significance. Review status: criteria provided, multiple submitters, no conflicts (2 of 4 stars). 2 submissions from 2 submitters: Uncertain significance (2). Last evaluated 2024-10-23.

Conditions:
Inborn genetic diseases. Identifiers: MedGen C0950123, MeSH D030342.

Allele frequency attached by ClinVar (database versions not stated): gnomAD exomes below 0.00001; ExAC 0.00001.
gnomAD v4.1: 2 of 1,614,056 alleles (0.00012%); highest among the groups gnomAD compares: South Asian, 0.0022%; no homozygotes.

Submissions (2):

GeneDx
Classification: Uncertain significance. Last evaluated: 2024-10-23. Review status: criteria provided, single submitter. Criteria: GeneDx Variant Classification Process June 2021. Collection method: clinical testing. Allele origin: germline. Affected: yes.
Comment: Not observed at significant frequency in large population cohorts (gnomAD); In silico analysis indicates that this missense variant does not alter protein structure/function; Has not been previously published as pathogenic or benign to our knowledge

Ambry Genetics
Classification: Uncertain significance for Inborn genetic diseases. Last evaluated: 2023-02-15. Review status: criteria provided, single submitter. Criteria: Ambry Variant Classification Scheme 2023. Collection method: clinical testing. Allele origin: germline.